The following is an entry in ClinVar:

NM_001567.4(INPPL1):c.1792C>T (p.Arg598Cys)

Gene: INPPL1 (inositol polyphosphate phosphatase like 1; plus strand). Cytogenetic location: 11q13.4.
Variant type: single nucleotide variant.
Coding change: c.1792C>T on transcript NM_001567.4 (MANE Select); coding-DNA position 1792, C replaced by T.
Protein change: p.Arg598Cys; replaces arginine 598 with cysteine.
Molecular consequence: missense variant.
Genome position (GRCh38, 1-based): chr11:72,232,705, C>T. VCF-style: chr11-72232705-C-T. GRCh37 (hg19) VCF-style: chr11-71943749-C-T.
Other names: c.1792C>T (NM_001567.3); short protein forms R598C.
Identifiers: ClinVar variation 1429260 (VCV001429260.6), dbSNP rs753557940, ClinGen allele CA6170137.

ClinVar aggregate classification (germline): Uncertain significance. Review status: criteria provided, multiple submitters, no conflicts (2 of 4 stars). 3 submissions from 3 submitters: Uncertain significance (3). Last evaluated 2023-10-03.

Conditions:
Inborn genetic diseases. Identifiers: MedGen C0950123, MeSH D030342.

Allele frequency attached by ClinVar (database versions not stated): ExAC 0.00002; gnomAD 0.00003; gnomAD exomes 0.00004 and 0.00005.

Submissions (3):

Labcorp Genetics (formerly Invitae), Labcorp
Classification: Uncertain significance. Last evaluated: 2023-10-03. Review status: criteria provided, single submitter. Criteria: Invitae Variant Classification Sherloc (09022015). Collection method: clinical testing. Allele origin: germline.
Comment: This sequence change replaces arginine, which is basic and polar, with cysteine, which is neutral and slightly polar, at codon 598 of the INPPL1 protein (p.Arg598Cys). This variant is present in population databases (rs753557940, gnomAD 0.02%). This variant has not been reported in the literature in individuals affected with INPPL1-related conditions. ClinVar contains an entry for this variant (Variation ID: 1429260). An algorithm developed to predict the effect of missense changes on protein structure and function (PolyPhen-2) suggests that this variant is likely to be disruptive. In summary, the available evidence is currently insufficient to determine the role of this variant in disease. Therefore, it has been classified as a Variant of Uncertain Significance.

Blueprint Genetics
Classification: Uncertain significance. Last evaluated: 2023-07-25. Review status: criteria provided, single submitter. Criteria: ACMG Guidelines, 2015. Collection method: clinical testing. Allele origin: germline.

Ambry Genetics
Classification: Uncertain significance for Inborn genetic diseases. Last evaluated: 2022-11-17. Review status: criteria provided, single submitter. Criteria: Ambry Variant Classification Scheme 2023. Collection method: clinical testing. Allele origin: germline.